The following is an entry in ClinVar:

NM_002473.6(MYH9):c.4582C>G (p.Arg1528Gly)

Gene: MYH9 (myosin heavy chain 9; minus strand). Cytogenetic location: 22q12.3.
Variant type: single nucleotide variant.
Coding change: c.4582C>G on transcript NM_002473.6 (MANE Select); coding-DNA position 4582, C replaced by G.
Protein change: p.Arg1528Gly; replaces arginine 1528 with glycine.
Molecular consequence: missense variant.
Genome position (GRCh38, 1-based): chr22:36,288,915, G>C on the plus strand (C>G on the coding strand, the complement: MYH9 is on the minus strand). VCF-style: chr22-36288915-G-C. GRCh37 (hg19) VCF-style: chr22-36684961-G-C.
Other names: short protein forms R1528G.
Identifiers: ClinVar variation 4848276 (VCV004848276.1).

ClinVar aggregate classification (germline): Uncertain significance (1 of 4 stars; one submission).

gnomAD v4.1: 1 of 1,613,956 alleles (0.000062%); highest among the groups gnomAD compares: South Asian, 0.0011%; no homozygotes.

Submission:

Women's Health and Genetics/Laboratory Corporation of America, LabCorp
Classification: Uncertain significance. Last evaluated: 2026-02-17. Review status: criteria provided, single submitter. Criteria: LabCorp Variant Classification Summary - May 2015. Collection method: clinical testing. Allele origin: germline.
Comment: Variant summary: MYH9 c.4582C>G (p.Arg1528Gly) results in a non-conservative amino acid change in the encoded protein sequence. Algorithms developed to predict the effect of missense changes on protein structure and function all suggest that this variant is likely to be disruptive. The variant was absent in 251258 control chromosomes. The available data on variant occurrences in the general population are insufficient to allow any conclusion about variant significance. To our knowledge, no occurrence of c.4582C>G in individuals affected with MYH9-related conditions and no experimental evidence demonstrating its impact on protein function have been reported. No submitters have cited clinical-significance assessments for this variant to ClinVar. Based on the evidence outlined above, the variant was classified as uncertain significance.